The following is an entry in ClinVar:

ClinVar aggregate classification (germline): Likely benign. Review status: criteria provided, single submitter (1 of 4 stars). 2 submissions from 2 submitters: Likely benign (1). 1 of the submissions does not count toward it. Last evaluated 2024-09-05.

Conditions:
MYH7B-related disorder. Also called: MYH7B-related condition.

Allele frequency attached by ClinVar (database versions not stated): gnomAD exomes 0.00001; gnomAD 0.00002; TOPMed 0.00002.
gnomAD v4.1: 23 of 1,613,668 alleles (0.0014%); highest among the groups gnomAD compares: African/African-American, 0.021%; 1 homozygote.

Submissions (2):

Labcorp Genetics (formerly Invitae), Labcorp
Classification: Likely benign. Last evaluated: 2024-09-05. Review status: criteria provided, single submitter. Criteria: Invitae Variant Classification Sherloc (09022015). Collection method: clinical testing. Allele origin: germline.

PreventionGenetics, part of Exact Sciences
Classification: Likely benign for MYH7B-related condition. Last evaluated: 2019-09-17. Review status: no assertion criteria provided. Collection method: clinical testing. Allele origin: germline. Not counted in ClinVar's aggregate classification.
Comment: This variant is classified as likely benign based on ACMG/AMP sequence variant interpretation guidelines (Richards et al. 2015 PMID: 25741868, with internal and published modifications).

NM_020884.7(MYH7B):c.2355C>T (p.Asp785=)

Gene: MYH7B (myosin heavy chain 7B; plus strand). Cytogenetic location: 20q11.22.
Variant type: single nucleotide variant.
Coding change: c.2355C>T on transcript NM_020884.7 (MANE Select); coding-DNA position 2355, C replaced by T.
Protein change: p.Asp785=; no amino-acid change (aspartic acid 785 retained).
Molecular consequence: synonymous variant.
Genome position (GRCh38, 1-based): chr20:34,993,381, C>T. VCF-style: chr20-34993381-C-T. GRCh37 (hg19) VCF-style: chr20-33581184-C-T.
Other names: c.2481C>T (NM_020884.4).
Identifiers: ClinVar variation 2694916 (VCV002694916.5), dbSNP rs986153093, ClinGen allele CA313477253.